The following is an entry in ClinVar:

ClinVar aggregate classification (germline): Uncertain significance (1 of 4 stars; one submission).

Submission:

Labcorp Genetics (formerly Invitae), Labcorp
Classification: Uncertain significance. Last evaluated: 2019-12-19. Review status: criteria provided, single submitter. Criteria: Invitae Variant Classification Sherloc (09022015). Collection method: clinical testing. Allele origin: germline.
Comment: This variant results in a copy number gain of the genomic region encompassing the full coding sequence of the PCYT1A gene. The boundaries of this event are unknown as they extend beyond the assayed region for this gene and therefore may encompass additional genes. As the precise location of this event is unknown, it may be in tandem or it may be located elsewhere in the genome. This variant has not been reported in the literature in individuals with PCYT1A-related conditions. In summary, the available evidence is currently insufficient to determine the role of this variant in disease. Therefore, it has been classified as a Variant of Uncertain Significance.

NC_000003.12:g.(?_196229915)_(196291374_?)dup

Genes: DYNLT2B (dynein light chain Tctex-type 2B; minus strand), PCYT1A (phosphate cytidylyltransferase 1A, choline; minus strand), SLC51A (solute carrier family 51 member A; plus strand). Cytogenetic location: 3q29.
Variant type: Duplication.
Identifiers: ClinVar variation 830605 (VCV000830605.1).